The following is an entry in ClinVar:

ClinVar aggregate classification (germline): Uncertain significance (1 of 4 stars; one submission).

Conditions:
CFAP418-related disorder. Also called: CFAP418-related condition.

Submission:

PreventionGenetics, part of Exact Sciences
Classification: Uncertain significance for CFAP418-related condition. Last evaluated: 2025-09-26. Review status: criteria provided, single submitter. Criteria: ACMG Guidelines, 2015. Collection method: clinical testing. Allele origin: germline.
Comment: The CFAP418 c.478A>G variant is predicted to result in the amino acid substitution p.Met160Val. To our knowledge, this variant has not been reported in the literature or in a large population database (gnomAD), indicating this variant is rare. At this time, the clinical significance of this variant is uncertain due to the absence of conclusive functional and genetic evidence.

NM_177965.4(CFAP418):c.478A>G (p.Met160Val)

Gene: CFAP418 (cilia and flagella associated protein 418; minus strand). Cytogenetic location: 8q22.1.
Variant type: single nucleotide variant.
Coding change: c.478A>G on transcript NM_177965.4 (MANE Select); coding-DNA position 478, A replaced by G.
Protein change: p.Met160Val; replaces methionine 160 with valine.
Molecular consequence: missense variant.
Genome position (GRCh38, 1-based): chr8:95,247,763, T>C on the plus strand (A>G on the coding strand, the complement: CFAP418 is on the minus strand). VCF-style: chr8-95247763-T-C. GRCh37 (hg19) VCF-style: chr8-96259991-T-C.
Other names: c.382A>G, p.Met128Val (NM_001363260.1); short protein forms M160V, M128V.
Identifiers: ClinVar variation 4990505 (VCV004990505.1).
Genomic context (GRCh38, chr8:95,247,763, plus strand): 5'-CATATGCCCGTGTTCCTTTCTTCTTTATCAACTTTGCTTTTAATTTGTGAAATTCTGGCA[T>C]GTTGTTCCTATTAGTAAAACAGGAAAGTTTTAGCATAGTGGCTTTGTTCAGTGCTTAATG-3'
Protein context (NP_808880.1, residues 150-170): SCDYLFFRNN[Met160Val]PEFHKLKAKL